The following is an entry in ClinVar:

NM_004208.4(AIFM1):c.1329C>T (p.Tyr443=)

Genes: AIFM1 (apoptosis inducing factor mitochondria associated 1; minus strand), RAB33A (RAB33A, member RAS oncogene family; plus strand). Cytogenetic location: Xq26.1.
Variant type: single nucleotide variant.
Coding change: c.1329C>T on transcript NM_004208.4 (MANE Select); coding-DNA position 1329, C replaced by T.
Protein change: p.Tyr443=; no amino-acid change (tyrosine 443 retained).
Molecular consequence: synonymous variant. On other transcripts: 3 prime UTR variant (1), non-coding transcript variant (1).
Genome position (GRCh38, 1-based): chrX:130,133,432, G>A on the plus strand (C>T on the coding strand, the complement: AIFM1 is on the minus strand). VCF-style: chrX-130133432-G-A. GRCh37 (hg19) VCF-style: chrX-129267407-G-A.
Other names: p.Y443Y:TAC>TAT; p.Tyr443=; c.312C>T, p.Tyr104= (NM_001130846.4); c.*557C>T (NM_001130847.4); c.1317C>T, p.Tyr439= (NM_145812.3).
Identifiers: ClinVar variation 136323 (VCV000136323.70), dbSNP rs143792929, ClinGen allele CA289333.

ClinVar aggregate classification (germline): Benign/Likely benign. Review status: criteria provided, multiple submitters, no conflicts (2 of 4 stars). 13 submissions from 13 submitters: Benign (4); Likely benign (5). 4 of the submissions do not count toward it. Last evaluated 2026-02-01.

Conditions:
Charcot-Marie-Tooth Neuropathy X. Identifiers: MedGen CN118851.
Combined oxidative phosphorylation deficiency. Identifiers: MedGen C4540031, MONDO:0000732.
AIFM1-related disorder. Also called: AIFM1-related condition.
Inborn genetic diseases. Identifiers: MedGen C0950123, MeSH D030342.
Charcot-Marie-Tooth disease. Also called: Charcot-Marie-Tooth Hereditary Neuropathy; Charcot-Marie-Tooth Neuropathy. Identifiers: Orphanet 166, MedGen C0007959, MONDO:0015626.
Severe X-linked mitochondrial encephalomyopathy. Also called: ENCEPHALOMYOPATHY, MITOCHONDRIAL, X-LINKED. Identifiers: Orphanet 238329, MedGen C3151753, MONDO:0010437, OMIM 300816.

Allele frequency attached by ClinVar (database versions not stated): ExAC 0.00081; gnomAD exomes 0.00084 and 0.00129; TOPMed 0.00087; gnomAD 0.00121 and 0.00123; ESP Exome Variant Server 0.00180.
gnomAD v4.1: 1,526 of 1,206,988 alleles (0.13%); highest among the groups gnomAD compares: Non-Finnish European, 0.16%; 2 homozygotes.

Submissions (13):

Labcorp Genetics (formerly Invitae), Labcorp
Classification: Benign for Charcot-Marie-Tooth Neuropathy X; Combined oxidative phosphorylation deficiency. Last evaluated: 2026-02-01. Review status: criteria provided, single submitter. Criteria: Invitae Variant Classification Sherloc (09022015). Collection method: clinical testing. Allele origin: germline.

Women's Health and Genetics/Laboratory Corporation of America, LabCorp
Classification: Likely benign. Last evaluated: 2025-10-15. Review status: criteria provided, single submitter. Criteria: LabCorp Variant Classification Summary - May 2015. Collection method: clinical testing. Allele origin: germline.

Mayo Clinic Laboratories, Mayo Clinic
Classification: Likely benign. Last evaluated: 2025-08-21. Review status: criteria provided, single submitter. Criteria: ACMG Guidelines, 2015. Collection method: clinical testing. Allele origin: germline. Observed: 5 variant alleles.
Comment: BS1_supporting, BP4, BP7

Blueprint Genetics
Classification: Likely benign. Last evaluated: 2024-10-24. Review status: criteria provided, single submitter. Criteria: ACMG Guidelines, 2015. Collection method: clinical testing. Allele origin: germline.

ARUP Laboratories, Molecular Genetics and Genomics, ARUP Laboratories
Classification: Benign. Last evaluated: 2020-10-12. Review status: criteria provided, single submitter. Criteria: ARUP Molecular Germline Variant Investigation Process 2021. Collection method: clinical testing. Allele origin: germline.

Ambry Genetics
Classification: Likely benign for Inborn genetic diseases. Last evaluated: 2019-07-11. Review status: criteria provided, single submitter. Criteria: Ambry Variant Classification Scheme 2023. Collection method: clinical testing. Allele origin: germline.

Illumina Laboratory Services, Illumina
Classification: Benign for Severe X-linked mitochondrial encephalomyopathy. Last evaluated: 2018-01-12. Review status: criteria provided, single submitter. Criteria: ICSL Variant Classification Criteria 13 December 2019. Collection method: clinical testing. Allele origin: germline.
Comment: This variant was observed in the ICSL laboratory as part of a predisposition screen in an ostensibly healthy population. It had not been previously curated by ICSL or reported in the Human Gene Mutation Database (HGMD: prior to June 1st, 2018), and was therefore a candidate for classification through an automated scoring system. Utilizing variant allele frequency, disease prevalence and penetrance estimates, and inheritance mode, an automated score was calculated to assess if this variant is too frequent to cause the disease. Based on the score and internal cut-off values, a variant classified as benign is not then subjected to further curation. The score for this variant resulted in a classification of benign for this disease.

GeneDx
Classification: Benign. Last evaluated: 2014-04-23. Review status: criteria provided, single submitter. Criteria: GeneDx Variant Classification (06012015). Collection method: clinical testing. Allele origin: germline. Affected: yes.
Comment: This variant is considered likely benign or benign based on one or more of the following criteria: it is a conservative change, it occurs at a poorly conserved position in the protein, it is predicted to be benign by multiple in silico algorithms, and/or has population frequency not consistent with disease.

Molecular Genetics Laboratory, London Health Sciences Centre
Classification: Likely benign for Charcot-Marie-Tooth disease. Review status: criteria provided, single submitter. Criteria: ACMG Guidelines, 2015. Collection method: clinical testing. Allele origin: germline. Affected: yes.

PreventionGenetics, part of Exact Sciences
Classification: Likely benign for AIFM1-related condition. Last evaluated: 2021-01-28. Review status: no assertion criteria provided. Collection method: clinical testing. Allele origin: germline. Not counted in ClinVar's aggregate classification.
Comment: This variant is classified as likely benign based on ACMG/AMP sequence variant interpretation guidelines (Richards et al. 2015 PMID: 25741868, with internal and published modifications).

Clinical Genetics DNA and cytogenetics Diagnostics Lab, Erasmus MC, Erasmus Medical Center
Classification: Likely benign. Review status: no assertion criteria provided. Collection method: clinical testing. Allele origin: germline. Affected: yes. Study: VKGL Data-share Consensus. Not counted in ClinVar's aggregate classification.

Clinical Genetics, Academic Medical Center
Classification: Benign. Review status: no assertion criteria provided. Collection method: clinical testing. Allele origin: germline. Affected: yes. Study: VKGL Data-share Consensus. Not counted in ClinVar's aggregate classification.

Genome Diagnostics Laboratory, University Medical Center Utrecht
Classification: Likely benign. Review status: no assertion criteria provided. Collection method: clinical testing. Allele origin: germline. Affected: yes. Study: VKGL Data-share Consensus. Not counted in ClinVar's aggregate classification.